The following is an entry in ClinVar:

ClinVar aggregate classification (germline): Uncertain significance (1 of 4 stars; one submission).

Conditions:
Hereditary pancreatitis (PCTT). Also called: Hereditary chronic pancreatitis; PRSS1-Related Hereditary Pancreatitis. Identifiers: Orphanet 676, MedGen C0238339, MONDO:0008185, OMIM 167800.

Submission:

Ambry Genetics
Classification: Uncertain significance for Hereditary pancreatitis. Last evaluated: 2025-12-20. Review status: criteria provided, single submitter. Criteria: Ambry Variant Classification Scheme 2023. Collection method: clinical testing. Allele origin: germline.
Comment: The p.G345A variant (also known as c.1034G>C), located in coding exon 9 of the CPA1 gene, results from a G to C substitution at nucleotide position 1034. The glycine at codon 345 is replaced by alanine, an amino acid with similar properties. This amino acid position is conserved. In addition, this alteration is predicted to be tolerated by in silico analysis. Based on the available evidence, the clinical significance of this variant remains unclear.

NM_001868.4(CPA1):c.1034G>C (p.Gly345Ala)

Gene: CPA1 (carboxypeptidase A1; plus strand). Cytogenetic location: 7q32.2.
Variant type: single nucleotide variant.
Coding change: c.1034G>C on transcript NM_001868.4 (MANE Select); coding-DNA position 1034, G replaced by C.
Protein change: p.Gly345Ala; replaces glycine 345 with alanine.
Molecular consequence: missense variant.
Genome position (GRCh38, 1-based): chr7:130,385,885, G>C. VCF-style: chr7-130385885-G-C. GRCh37 (hg19) VCF-style: chr7-130025726-G-C.
Other names: short protein forms G345A.
Identifiers: ClinVar variation 4841612 (VCV004841612.1).